The following is an entry in ClinVar:

ClinVar aggregate classification (germline): Uncertain significance (1 of 4 stars; one submission).

Allele frequency attached by ClinVar (database versions not stated): gnomAD exomes below 0.00001.
gnomAD v4.1: 29 of 1,614,024 alleles (0.0018%); highest among the groups gnomAD compares: Non-Finnish European, 0.0024%; no homozygotes.

Submission:

Labcorp Genetics (formerly Invitae), Labcorp
Classification: Uncertain significance. Last evaluated: 2021-12-29. Review status: criteria provided, single submitter. Criteria: Invitae Variant Classification Sherloc (09022015). Collection method: clinical testing. Allele origin: germline.
Comment: This sequence change replaces leucine, which is neutral and non-polar, with isoleucine, which is neutral and non-polar, at codon 322 of the ABCA4 protein (p.Leu322Ile). This variant is present in population databases (no rsID available, gnomAD 0.0009%). This variant has not been reported in the literature in individuals affected with ABCA4-related conditions. Advanced modeling of protein sequence and biophysical properties (such as structural, functional, and spatial information, amino acid conservation, physicochemical variation, residue mobility, and thermodynamic stability) performed at Invitae indicates that this missense variant is not expected to disrupt ABCA4 protein function. In summary, the available evidence is currently insufficient to determine the role of this variant in disease. Therefore, it has been classified as a Variant of Uncertain Significance.

NM_000350.3(ABCA4):c.964C>A (p.Leu322Ile)

Gene: ABCA4 (ATP binding cassette subfamily A member 4; minus strand). Cytogenetic location: 1p22.1.
Variant type: single nucleotide variant.
Coding change: c.964C>A on transcript NM_000350.3 (MANE Select); coding-DNA position 964, C replaced by A.
Protein change: p.Leu322Ile; replaces leucine 322 with isoleucine.
Molecular consequence: missense variant.
Genome position (GRCh38, 1-based): chr1:94,080,613, G>T on the plus strand (C>A on the coding strand, the complement: ABCA4 is on the minus strand). VCF-style: chr1-94080613-G-T. GRCh37 (hg19) VCF-style: chr1-94546169-G-T.
Other names: c.964C>A, p.Leu322Ile (NM_001425324.1); short protein forms L322I.
Identifiers: ClinVar variation 1477718 (VCV001477718.3), dbSNP rs1409497477, ClinGen allele CA341284319.